The following is an entry in ClinVar:

NM_001277062.2(MFF):c.440+2430C>T

Gene: MFF (mitochondrial fission factor; plus strand). Cytogenetic location: 2q36.3.
Variant type: single nucleotide variant.
Coding change: c.440+2430C>T on transcript NM_001277062.2 (MANE Select); 2430 bases into the intron after coding-DNA position 440, C replaced by T.
Molecular consequence: intron variant. On other transcripts: missense variant (3).
Genome position (GRCh38, 1-based): chr2:227,342,810, C>T. VCF-style: chr2-227342810-C-T. GRCh37 (hg19) VCF-style: chr2-228207526-C-T.
Other names: c.584C>T, p.Pro195Leu (NM_001277061.2, NM_020194.5); c.506C>T, p.Pro169Leu (NM_001277063.2); c.440+2430C>T (NM_001277064.2, NM_001277065.2, NM_001277066.2 and 1 more transcripts); c.290+2430C>T (NM_001277067.1); short protein forms P169L, P195L.
Identifiers: ClinVar variation 3125672 (VCV003125672.8), dbSNP rs752060091, ClinGen allele CA2147938.
Genomic context (GRCh38, chr2:227,342,810, plus strand): 5'-ACAGATCAGATTCTGCCCCAAGAAATAAAATTTCAAGGTTCCAGGCACCGATTTCTGCAC[C>T]GGAGTACACGTAAGATTTTATCTGCTCTGCTTTTGACAAGTAGTTGTTTTGATTTTGAAG-3'

ClinVar aggregate classification (germline): Conflicting classifications of pathogenicity. Review status: criteria provided, conflicting classifications (1 of 4 stars). 2 submissions from 2 submitters: Uncertain significance (1); Likely benign (1). Last evaluated 2025-03-01.

Conditions:
Inborn genetic diseases. Identifiers: MedGen C0950123, MeSH D030342.

Allele frequency attached by ClinVar (database versions not stated): ExAC 0.00011.
gnomAD v4.1: 61 of 1,613,208 alleles (0.0038%); highest among the groups gnomAD compares: South Asian, 0.024%; no homozygotes.

Submissions (2):

CeGaT Center for Human Genetics Tuebingen
Classification: Likely benign. Last evaluated: 2025-03-01. Review status: criteria provided, single submitter. Criteria: CeGaT Center For Human Genetics Tuebingen Variant Classification Criteria Version 2. Collection method: clinical testing. Allele origin: germline. Affected: yes. Observed: 1 variant allele.
Comment: MFF: BP4

Ambry Genetics
Classification: Uncertain significance for Inborn genetic diseases. Last evaluated: 2024-01-02. Review status: criteria provided, single submitter. Criteria: Ambry Variant Classification Scheme 2023. Collection method: clinical testing. Allele origin: germline.